The following is an entry in ClinVar:

ClinVar aggregate classification (germline): Uncertain significance (1 of 4 stars; one submission).

Conditions:
Cardiomyopathy (CMYO). Also called: Cardiomyopathies. Identifiers: Orphanet 167848, MedGen C0878544, MONDO:0004994, HP:0001638. Inheritance: Various modes of inheritance.

Submission:

Color Diagnostics, LLC DBA Color Health
Classification: Uncertain significance for Cardiomyopathy. Last evaluated: 2025-08-04. Review status: criteria provided, single submitter. Criteria: ACMG Guidelines, 2015. Collection method: clinical testing. Allele origin: germline.
Comment: This missense variant replaces aspartic acid with asparagine at codon 76 of the DSG2 protein. Computational prediction suggests that this variant may not impact protein structure and function. To our knowledge, functional studies have not been reported for this variant. This variant has not been reported in individuals affected with DSG2-related disorders in the literature. This variant has not been identified in the general population by the Genome Aggregation Database (gnomAD). The available evidence is insufficient to determine the role of this variant in disease conclusively. Therefore, this variant is classified as a Variant of Uncertain Significance.

NM_001943.5(DSG2):c.226G>A (p.Asp76Asn)

Gene: DSG2 (desmoglein 2; plus strand). Cytogenetic location: 18q12.1.
Variant type: single nucleotide variant.
Coding change: c.226G>A on transcript NM_001943.5 (MANE Select); coding-DNA position 226, G replaced by A.
Protein change: p.Asp76Asn; replaces aspartic acid 76 with asparagine.
Molecular consequence: missense variant.
Genome position (GRCh38, 1-based): chr18:31,520,812, G>A. VCF-style: chr18-31520812-G-A. GRCh37 (hg19) VCF-style: chr18-29100775-G-A.
Other names: short protein forms D76N.
Identifiers: ClinVar variation 4759029 (VCV004759029.1).